The following is an entry in ClinVar:

ClinVar aggregate classification (germline): Benign/Likely benign. Review status: criteria provided, multiple submitters, no conflicts (2 of 4 stars). 7 submissions from 7 submitters: Benign (4); Likely benign (1). 2 of the submissions do not count toward it. Last evaluated 2026-02-02.

Allele frequency attached by ClinVar (database versions not stated): ESP Exome Variant Server 0.06028; gnomAD 0.07110 and 0.07625; TOPMed 0.07666; 1000 Genomes Project 30x 0.11165; 1000 Genomes Project 0.11661.

Submissions (7):

Labcorp Genetics (formerly Invitae), Labcorp
Classification: Benign. Last evaluated: 2026-02-02. Review status: criteria provided, single submitter. Criteria: Invitae Variant Classification Sherloc (09022015). Collection method: clinical testing. Allele origin: germline.

Blueprint Genetics
Classification: Benign. Last evaluated: 2024-11-27. Review status: criteria provided, single submitter. Criteria: ACMG Guidelines, 2015. Collection method: clinical testing. Allele origin: germline.

GeneDx
Classification: Benign. Last evaluated: 2014-04-02. Review status: criteria provided, single submitter. Criteria: GeneDx Variant Classification (06012015). Collection method: clinical testing. Allele origin: germline. Affected: yes.
Comment: This variant is considered likely benign or benign based on one or more of the following criteria: it is a conservative change, it occurs at a poorly conserved position in the protein, it is predicted to be benign by multiple in silico algorithms, and/or has population frequency not consistent with disease.

Genetic Services Laboratory, University of Chicago
Classification: Benign. Last evaluated: 2013-02-08. Review status: criteria provided, single submitter. Criteria: ACMG Guidelines, 2007. Collection method: clinical testing. Allele origin: germline. Inheritance: Autosomal recessive inheritance.

Breakthrough Genomics
Classification: Likely benign. Review status: criteria provided, single submitter. Criteria: ACMG Guidelines, 2015. Collection method: not provided. Allele origin: germline. Inheritance: Autosomal recessive inheritance. Affected: yes.

Clinical Genetics DNA and cytogenetics Diagnostics Lab, Erasmus MC, Erasmus Medical Center
Classification: Benign. Review status: no assertion criteria provided. Collection method: clinical testing. Allele origin: germline. Affected: yes. Study: VKGL Data-share Consensus. Not counted in ClinVar's aggregate classification.

Joint Genome Diagnostic Labs from Nijmegen and Maastricht, Radboudumc and MUMC+
Classification: Benign. Review status: no assertion criteria provided. Collection method: clinical testing. Allele origin: germline. Affected: yes. Study: VKGL Data-share Consensus. Not counted in ClinVar's aggregate classification.

NM_018249.6(CDK5RAP2):c.480A>C (p.Leu160=)

Gene: CDK5RAP2 (CDK5 regulatory subunit associated protein 2; minus strand). Cytogenetic location: 9q33.2.
Variant type: single nucleotide variant.
Coding change: c.480A>C on transcript NM_018249.6 (MANE Select); coding-DNA position 480, A replaced by C.
Protein change: p.Leu160=; no amino-acid change (leucine 160 retained).
Molecular consequence: synonymous variant. On other transcripts: non-coding transcript variant (5).
Genome position (GRCh38, 1-based): chr9:120,539,068, T>G on the plus strand (A>C on the coding strand, the complement: CDK5RAP2 is on the minus strand). VCF-style: chr9-120539068-T-G. GRCh37 (hg19) VCF-style: chr9-123301346-T-G.
Other names: p.L160L:CTA>CTC; c.480A>C, p.Leu160= (NM_001011649.3, NM_001272039.2).
Identifiers: ClinVar variation 136707 (VCV000136707.21), dbSNP rs3750494, ClinGen allele CA171585.